The following is an entry in ClinVar:

NM_000429.3(MAT1A):c.65C>T (p.Ser22Leu)

Gene: MAT1A (methionine adenosyltransferase 1A; minus strand). Cytogenetic location: 10q22.3.
Variant type: single nucleotide variant.
Coding change: c.65C>T on transcript NM_000429.3 (MANE Select); coding-DNA position 65, C replaced by T.
Protein change: p.Ser22Leu; replaces serine 22 with leucine.
Molecular consequence: missense variant.
Genome position (GRCh38, 1-based): chr10:80,289,359, G>A on the plus strand (C>T on the coding strand, the complement: MAT1A is on the minus strand). VCF-style: chr10-80289359-G-A. GRCh37 (hg19) VCF-style: chr10-82049115-G-A.
Other names: short protein forms S22L.
Identifiers: ClinVar variation 2735429 (VCV002735429.3), dbSNP rs1242659514, ClinGen allele CA377364910.
Genomic context (GRCh38, chr10:80,289,359, plus strand): 5'-TCGTTTTCCAGTCAGTCCAAGACAGCCTACTTACCCGGGTGTCCCTCTCCCACAGACTCC[G>A]ATGTGAACATGAAGACTCCTTCACTTAGAGAGTGGTCACACAAGCCATCCACCGGTCCAT-3'
Protein context (NP_000420.1, residues 12-32): SLSEGVFMFT[Ser22Leu]ESVGEGHPDK

ClinVar aggregate classification (germline): Uncertain significance (1 of 4 stars; one submission).

Conditions:
Hepatic methionine adenosyltransferase deficiency. Also called: MAT I/III DEFICIENCY; Deficiency of methionine adenosyltransferase; Isolated Persistent Hypermethioninemia; Methionine adenosyltransferase deficiency. Identifiers: Orphanet 168598, MedGen C0268621, MeSH C564683, MONDO:0009607, OMIM 250850.

Allele frequency attached by ClinVar (database versions not stated): gnomAD exomes below 0.00001.
gnomAD v4.1: 6 of 1,614,102 alleles (0.00037%); highest among the groups gnomAD compares: Admixed American, 0.0017%; no homozygotes.

Submission:

Labcorp Genetics (formerly Invitae), Labcorp
Classification: Uncertain significance for Hepatic methionine adenosyltransferase deficiency. Last evaluated: 2023-02-03. Review status: criteria provided, single submitter. Criteria: Invitae Variant Classification Sherloc (09022015). Collection method: clinical testing. Allele origin: germline.
Comment: Experimental studies have shown that this missense change affects MAT1A function (PMID: 20675163). This sequence change replaces serine, which is neutral and polar, with leucine, which is neutral and non-polar, at codon 22 of the MAT1A protein (p.Ser22Leu). This variant is present in population databases (no rsID available, gnomAD 0.003%). This missense change has been observed in individuals with clinical features of MAT1A-related conditions (PMID: 16435220, 20675163). Advanced modeling of protein sequence and biophysical properties (such as structural, functional, and spatial information, amino acid conservation, physicochemical variation, residue mobility, and thermodynamic stability) performed at Invitae indicates that this missense variant is expected to disrupt MAT1A protein function. In summary, the available evidence is currently insufficient to determine the role of this variant in disease. Therefore, it has been classified as a Variant of Uncertain Significance.

Literature cited by the submitters: PubMed 20675163; PubMed 16435220.